The following is an entry in ClinVar:

NM_001201427.2(DAAM2):c.1926G>A (p.Lys642=)

Gene: DAAM2 (dishevelled associated activator of morphogenesis 2; plus strand). Cytogenetic location: 6p21.2.
Variant type: single nucleotide variant.
Coding change: c.1926G>A on transcript NM_001201427.2 (MANE Select); coding-DNA position 1926, G replaced by A.
Protein change: p.Lys642=; no amino-acid change (lysine 642 retained).
Molecular consequence: synonymous variant.
Genome position (GRCh38, 1-based): chr6:39,884,042, G>A. VCF-style: chr6-39884042-G-A. GRCh37 (hg19) VCF-style: chr6-39851818-G-A.
Other names: c.1926G>A, p.Lys642= (NM_015345.4).
Identifiers: ClinVar variation 3059768 (VCV003059768.2), dbSNP rs3003929, ClinGen allele CA3795120.

ClinVar aggregate classification (germline): Benign (0 of 4 stars; one submission).

Conditions:
DAAM2-related disorder. Also called: DAAM2-related condition.

Allele frequency attached by ClinVar (database versions not stated): TOPMed 0.54549; ESP Exome Variant Server 0.54587; gnomAD 0.55496; 1000 Genomes Project 30x 0.59635; 1000 Genomes Project 0.60224; ExAC 0.61121.
gnomAD v4.1: 918,381 of 1,607,340 alleles (57%); highest among the groups gnomAD compares: East Asian, 75%; 265,224 homozygotes.

Submission:

PreventionGenetics, part of Exact Sciences
Classification: Benign for DAAM2-related condition. Last evaluated: 2019-10-17. Review status: no assertion criteria provided. Collection method: clinical testing. Allele origin: germline.
Comment: This variant is classified as benign based on ACMG/AMP sequence variant interpretation guidelines (Richards et al. 2015 PMID: 25741868, with internal and published modifications).